The following is an entry in ClinVar:

ClinVar aggregate classification (germline): Uncertain significance. Review status: criteria provided, multiple submitters, no conflicts (2 of 4 stars). 2 submissions from 2 submitters: Uncertain significance (2). Last evaluated 2025-01-24.

Submissions (2):

Ambry Genetics
Classification: Uncertain significance. Last evaluated: 2025-01-24. Review status: criteria provided, single submitter. Criteria: Ambry Variant Classification Scheme 2023. Collection method: clinical testing. Allele origin: germline.

GeneDx
Classification: Uncertain significance. Last evaluated: 2024-12-06. Review status: criteria provided, single submitter. Criteria: GeneDx Variant Classification Process June 2021. Collection method: clinical testing. Allele origin: germline. Affected: yes.
Comment: See Variant Classification Assertion Criteria.

NM_002635.4(SLC25A3):c.69C>A (p.His23Gln)

Gene: SLC25A3 (solute carrier family 25 member 3; plus strand). Cytogenetic location: 12q23.1.
Variant type: single nucleotide variant.
Coding change: c.69C>A on transcript NM_002635.4 (MANE Select); coding-DNA position 69, C replaced by A.
Protein change: p.His23Gln; replaces histidine 23 with glutamine.
Molecular consequence: missense variant.
Genome position (GRCh38, 1-based): chr12:98,594,047, C>A. VCF-style: chr12-98594047-C-A. GRCh37 (hg19) VCF-style: chr12-98987825-C-A.
Other names: p.H23Q:CAC>CAA; c.69C>A, p.His23Gln (NM_005888.4, NM_213611.3); short protein forms H23Q.
Identifiers: ClinVar variation 215164 (VCV000215164.3), dbSNP rs863224206, ClinGen allele CA323599.
Genomic context (GRCh38, chr12:98,594,047, plus strand): 5'-GTCCGTGGCGCACCTGGCGCGGGCGAACCCCTTCAACACGCCACATCTGCAGCTGGTGCA[C>A]GATGGTCTCGGGGACCTCCGCAGCAGCTCCCCAGGGCCCACGGGCCAGCCCCGCCGCCCT-3'
Protein context (NP_002626.1, residues 13-33): PFNTPHLQLV[His23Gln]DGLGDLRSSS